The following is an entry in ClinVar:

ClinVar aggregate classification (germline): Uncertain significance. Review status: criteria provided, multiple submitters, no conflicts (2 of 4 stars). 3 submissions from 3 submitters: Uncertain significance (2). 1 of the submissions does not count toward it. Last evaluated 2024-12-30.

Conditions:
SBF1-related disorder. Also called: SBF1-related condition.

Allele frequency attached by ClinVar (database versions not stated): TOPMed below 0.00001; gnomAD 0.00001.
gnomAD v4.1: 5 of 1,613,714 alleles (0.00031%); highest among the groups gnomAD compares: Middle Eastern, 0.049%; no homozygotes.

Submissions (3):

Labcorp Genetics (formerly Invitae), Labcorp
Classification: Uncertain significance. Last evaluated: 2024-12-30. Review status: criteria provided, single submitter. Criteria: Invitae Variant Classification Sherloc (09022015). Collection method: clinical testing. Allele origin: germline.
Comment: This sequence change replaces serine, which is neutral and polar, with alanine, which is neutral and non-polar, at codon 1726 of the SBF1 protein (p.Ser1726Ala). This variant is not present in population databases (gnomAD no frequency). This variant has not been reported in the literature in individuals affected with SBF1-related conditions. ClinVar contains an entry for this variant (Variation ID: 1712547). Invitae Evidence Modeling of protein sequence and biophysical properties (such as structural, functional, and spatial information, amino acid conservation, physicochemical variation, residue mobility, and thermodynamic stability) indicates that this missense variant is not expected to disrupt SBF1 protein function with a negative predictive value of 80%. In summary, the available evidence is currently insufficient to determine the role of this variant in disease. Therefore, it has been classified as a Variant of Uncertain Significance.

GeneDx
Classification: Uncertain significance. Last evaluated: 2022-04-25. Review status: criteria provided, single submitter. Criteria: GeneDx Variant Classification Process June 2021. Collection method: clinical testing. Allele origin: germline. Affected: yes.
Comment: Not observed at significant frequency in large population cohorts (gnomAD); In silico analysis supports that this missense variant does not alter protein structure/function; Has not been previously published as pathogenic or benign to our knowledge

PreventionGenetics, part of Exact Sciences
Classification: Uncertain significance for SBF1-related condition. Last evaluated: 2024-07-24. Review status: no assertion criteria provided. Collection method: clinical testing. Allele origin: germline. Not counted in ClinVar's aggregate classification.
Comment: The SBF1 c.5176T>G variant is predicted to result in the amino acid substitution p.Ser1726Ala. To our knowledge, this variant has not been reported in the literature or in a large population database, indicating this variant is rare. At this time, the clinical significance of this variant is uncertain due to the absence of conclusive functional and genetic evidence.

NM_002972.4(SBF1):c.5176T>G (p.Ser1726Ala)

Gene: SBF1 (SET binding factor 1; minus strand). Cytogenetic location: 22q13.33.
Variant type: single nucleotide variant.
Coding change: c.5176T>G on transcript NM_002972.4 (MANE Select); coding-DNA position 5176, T replaced by G.
Protein change: p.Ser1726Ala; replaces serine 1726 with alanine.
Molecular consequence: missense variant.
Genome position (GRCh38, 1-based): chr22:50,448,420, A>C on the plus strand (T>G on the coding strand, the complement: SBF1 is on the minus strand). VCF-style: chr22-50448420-A-C. GRCh37 (hg19) VCF-style: chr22-50886849-A-C.
Other names: c.5101T>G, p.Ser1701Ala (NM_001365819.1); c.5179T>G, p.Ser1727Ala (NM_001410794.1); c.5098T>G, p.Ser1700Ala (NM_001410795.1); c.5176T>G, p.Ser1726Ala (NM_197971.1); c.5176T>G (NM_002972.3); short protein forms S1700A, S1701A, S1726A, S1727A.
Identifiers: ClinVar variation 1712547 (VCV001712547.6), dbSNP rs1015948880, ClinGen allele CA325524768.